The following is an entry in ClinVar:

ClinVar aggregate classification (germline): Uncertain significance. Review status: criteria provided, multiple submitters, no conflicts (2 of 4 stars). 2 submissions from 2 submitters: Uncertain significance (2). Last evaluated 2025-03-05.

Conditions:
Primary familial hypertrophic cardiomyopathy (HCM). Identifiers: Orphanet 99739, MedGen C0949658, MeSH D024741, MONDO:0024573. Inheritance: Various modes of inheritance.
Dilated cardiomyopathy 1AA (CMD1AA). Also called: CARDIOMYOPATHY, DILATED, 1AA, WITH OR WITHOUT LEFT VENTRICULAR NONCOMPACTION; CARDIOMYOPATHY, FAMILIAL HYPERTROPHIC, 23, WITH OR WITHOUT LEFT VENTRICULAR NONCOMPACTION; Cardiomyopathy, dilated, 1AA, with or without LVNC. Identifiers: Orphanet 154, MedGen C2677338, MONDO:0012808, OMIM 612158.

Submissions (2):

Labcorp Genetics (formerly Invitae), Labcorp
Classification: Uncertain significance for Primary familial hypertrophic cardiomyopathy; Dilated cardiomyopathy 1AA. Last evaluated: 2025-03-05. Review status: criteria provided, single submitter. Criteria: Invitae Variant Classification Sherloc (09022015). Collection method: clinical testing. Allele origin: germline.
Comment: This sequence change replaces serine, which is neutral and polar, with threonine, which is neutral and polar, at codon 813 of the ACTN2 protein (p.Ser813Thr). This variant is not present in population databases (gnomAD no frequency). This variant has not been reported in the literature in individuals affected with ACTN2-related conditions. ClinVar contains an entry for this variant (Variation ID: 452372). Invitae Evidence Modeling of protein sequence and biophysical properties (such as structural, functional, and spatial information, amino acid conservation, physicochemical variation, residue mobility, and thermodynamic stability) indicates that this missense variant is not expected to disrupt ACTN2 protein function with a negative predictive value of 95%. In summary, the available evidence is currently insufficient to determine the role of this variant in disease. Therefore, it has been classified as a Variant of Uncertain Significance.

GeneDx
Classification: Uncertain significance. Last evaluated: 2017-09-29. Review status: criteria provided, single submitter. Criteria: GeneDx Variant Classification (06012015). Collection method: clinical testing. Allele origin: germline. Affected: yes.
Comment: A variant of uncertain significance has been identified in the ACTN2 gene. The S813T variant has not been published as pathogenic or been reported as benign to our knowledge. This variant is not observed in large population cohorts (Lek et al., 2016). However, the S813T variant is a conservative amino acid substitution, which is not likely to impact secondary protein structure as these residues share similar properties. This substitution occurs at a position that is only conserved in mammals. Finally, in silico analysis is inconsistent in its predictions as to whether or not the variant is damaging to the protein structure/function.

NM_001103.4(ACTN2):c.2437T>A (p.Ser813Thr)

Gene: ACTN2 (actinin alpha 2; plus strand). Cytogenetic location: 1q43.
Variant type: single nucleotide variant.
Coding change: c.2437T>A on transcript NM_001103.4 (MANE Select); coding-DNA position 2437, T replaced by A.
Protein change: p.Ser813Thr; replaces serine 813 with threonine.
Molecular consequence: missense variant.
Genome position (GRCh38, 1-based): chr1:236,761,084, T>A. VCF-style: chr1-236761084-T-A. GRCh37 (hg19) VCF-style: chr1-236924384-T-A.
Other names: c.2437T>A, p.Ser813Thr (NM_001278343.2); c.1813T>A, p.Ser605Thr (NM_001278344.2); short protein forms S813T, S605T.
Identifiers: ClinVar variation 452372 (VCV000452372.3), dbSNP rs1553305106, ClinGen allele CA345390830.
Genomic context (GRCh38, chr1:236,761,084, plus strand): 5'-GAATTTGCCCGCATTATGACCCTGGTAGATCCCAACGGGCAAGGCACCGTCACCTTCCAA[T>A]CCTTCATCGACTTCATGACTAGAGAGACGGCTGACACCGACACTGCCGAGCAGGTCATCG-3'
Protein context (NP_001094.1, residues 803-823): PNGQGTVTFQ[Ser813Thr]FIDFMTRETA